The following is an entry in ClinVar:

NM_001458.5(FLNC):c.4718T>A (p.Leu1573Ter)

Gene: FLNC (filamin C; plus strand). Cytogenetic location: 7q32.1.
Variant type: single nucleotide variant.
Coding change: c.4718T>A on transcript NM_001458.5 (MANE Select); coding-DNA position 4718, T replaced by A.
Protein change: p.Leu1573Ter; replaces leucine 1573 with a stop codon.
Molecular consequence: nonsense.
Genome position (GRCh38, 1-based): chr7:128,848,698, T>A. VCF-style: chr7-128848698-T-A. GRCh37 (hg19) VCF-style: chr7-128488752-T-A.
Other names: c.4718T>A, p.Leu1573Ter (NM_001127487.2); c.4718T>A (NM_001458.4); short protein forms L1573*.
Identifiers: ClinVar variation 1070209 (VCV001070209.11), dbSNP rs2128937575, ClinGen allele CA369202797.

ClinVar aggregate classification (germline): Pathogenic. Review status: criteria provided, multiple submitters, no conflicts (2 of 4 stars). 2 submissions from 2 submitters: Pathogenic (2). Last evaluated 2025-10-15.

Conditions:
Myofibrillar myopathy 5. Also called: Filaminopathy (type); FILAMINOPATHY, AUTOSOMAL DOMINANT. Identifiers: Orphanet 171445, MedGen C1836050, MONDO:0012289, OMIM 609524.
Distal myopathy with posterior leg and anterior hand involvement. Also called: WILLIAMS DISTAL MYOPATHY. Identifiers: Orphanet 63273, MedGen C3279722, MONDO:0013550, OMIM 614065.
Hypertrophic cardiomyopathy 26. Also called: Cardiomyopathy, familial hypertrophic, 26. Identifiers: Orphanet 75249, MedGen C4310749, MONDO:0014883, OMIM 617047.
Cardiovascular phenotype. Identifiers: MedGen CN230736.

Allele frequency attached by ClinVar (database versions not stated): gnomAD exomes below 0.00001.

Submissions (2):

Labcorp Genetics (formerly Invitae), Labcorp
Classification: Pathogenic for Distal myopathy with posterior leg and anterior hand involvement; Myofibrillar myopathy 5; Hypertrophic cardiomyopathy 26. Last evaluated: 2025-10-15. Review status: criteria provided, single submitter. Criteria: Invitae Variant Classification Sherloc (09022015). Collection method: clinical testing. Allele origin: germline.
Comment: This sequence change creates a premature translational stop signal (p.Leu1573*) in the FLNC gene. It is expected to result in an absent or disrupted protein product. Loss-of-function variants in FLNC are known to be pathogenic (PMID: 27908349). This variant is not present in population databases (gnomAD no frequency). This premature translational stop signal has been observed in individual(s) with clinical features of dilated cardiomyopathy (PMID: 31317183, 31627847). ClinVar contains an entry for this variant (Variation ID: 1070209). For these reasons, this variant has been classified as Pathogenic.

Molecular Diagnostic Laboratory for Inherited Cardiovascular Disease, Montreal Heart Institute
Classification: Pathogenic for Cardiovascular phenotype. Last evaluated: 2024-08-12. Review status: criteria provided, single submitter. Criteria: ACMG Guidelines, 2015. Collection method: clinical testing. Allele origin: germline. Affected: yes.
Comment: PVS1, PM2, PS4_supp, PP1

Literature cited by the submitters: PubMed 27908349 (cited by Labcorp Genetics (formerly Invitae), Labcorp); PubMed 31317183 (cited by Labcorp Genetics (formerly Invitae), Labcorp); PubMed 31627847 (cited by Labcorp Genetics (formerly Invitae), Labcorp).